The following is an entry in ClinVar:

ClinVar aggregate classification (germline): Conflicting classifications of pathogenicity. Review status: criteria provided, conflicting classifications (1 of 4 stars). 4 submissions from 4 submitters: Uncertain significance (1); Likely benign (2). 1 of the submissions does not count toward it. Last evaluated 2024-09-13.

Conditions:
VPS13A-related disorder. Also called: VPS13A-related condition.
Inborn genetic diseases. Identifiers: MedGen C0950123, MeSH D030342.

Allele frequency attached by ClinVar (database versions not stated): gnomAD 0.00001; TOPMed 0.00007; ExAC 0.00009.
gnomAD v4.1: 87 of 1,512,178 alleles (0.0058%); highest among the groups gnomAD compares: East Asian, 0.044%; no homozygotes.

Submissions (4):

Blueprint Genetics
Classification: Likely benign. Last evaluated: 2024-09-13. Review status: criteria provided, single submitter. Criteria: ACMG Guidelines, 2015. Collection method: clinical testing. Allele origin: germline.

Ambry Genetics
Classification: Likely benign for Inborn genetic diseases. Last evaluated: 2024-07-16. Review status: criteria provided, single submitter. Criteria: Ambry Variant Classification Scheme 2023. Collection method: clinical testing. Allele origin: germline.

Labcorp Genetics (formerly Invitae), Labcorp
Classification: Uncertain significance. Last evaluated: 2021-11-13. Review status: criteria provided, single submitter. Criteria: Invitae Variant Classification Sherloc (09022015). Collection method: clinical testing. Allele origin: germline.
Comment: This sequence change replaces isoleucine, which is neutral and non-polar, with valine, which is neutral and non-polar, at codon 1168 of the VPS13A protein (p.Ile1168Val). This variant is present in population databases (rs765665355, gnomAD 0.1%). This variant has not been reported in the literature in individuals affected with VPS13A-related conditions. Algorithms developed to predict the effect of missense changes on protein structure and function output the following: SIFT: "Tolerated"; PolyPhen-2: "Benign"; Align-GVGD: "Class C0". The valine amino acid residue is found in multiple mammalian species, which suggests that this missense change does not adversely affect protein function. In summary, the available evidence is currently insufficient to determine the role of this variant in disease. Therefore, it has been classified as a Variant of Uncertain Significance.

PreventionGenetics, part of Exact Sciences
Classification: Uncertain significance for VPS13A-related condition. Last evaluated: 2024-08-30. Review status: no assertion criteria provided. Collection method: clinical testing. Allele origin: germline. Not counted in ClinVar's aggregate classification.
Comment: The VPS13A c.3502A>G variant is predicted to result in the amino acid substitution p.Ile1168Val. To our knowledge, this variant has not been reported in the literature. This variant is reported in 0.097% of alleles in individuals of East Asian descent in gnomAD, which may be too frequent to be a primary cause of disease. Although we suspect that c.3502A>G may be benign, the clinical significance of this variant is uncertain due to the absence of conclusive functional and genetic evidence.

NM_033305.3(VPS13A):c.3502A>G (p.Ile1168Val)

Gene: VPS13A (vacuolar protein sorting 13 homolog A; plus strand). Cytogenetic location: 9q21.2.
Variant type: single nucleotide variant.
Coding change: c.3502A>G on transcript NM_033305.3 (MANE Select); coding-DNA position 3502, A replaced by G.
Protein change: p.Ile1168Val; replaces isoleucine 1168 with valine.
Molecular consequence: missense variant.
Genome position (GRCh38, 1-based): chr9:77,293,503, A>G. VCF-style: chr9-77293503-A-G. GRCh37 (hg19) VCF-style: chr9-79908419-A-G.
Other names: c.3502A>G (NM_033305.2); c.3385A>G, p.Ile1129Val (NM_001018037.2); c.3502A>G, p.Ile1168Val (NM_001018038.3, NM_015186.4); short protein forms I1129V, I1168V.
Identifiers: ClinVar variation 2060632 (VCV002060632.4), dbSNP rs765665355, ClinGen allele CA5092263.